The following is an entry in ClinVar:

NM_001387850.1(FILIP1L):c.2592C>T (p.Pro864=)

Genes: CMSS1 (cms1 ribosomal small subunit homolog; plus strand), FILIP1L (filamin A interacting protein 1 like; minus strand), LOC105374010 (uncharacterized LOC105374010; plus strand). Cytogenetic location: 3q12.1.
Variant type: single nucleotide variant.
Coding change: c.2592C>T on transcript NM_001387850.1 (MANE Select); coding-DNA position 2592, C replaced by T.
Protein change: p.Pro864=; no amino-acid change (proline 864 retained).
Molecular consequence: synonymous variant. On other transcripts: intron variant (2).
Genome position (GRCh38, 1-based): chr3:99,849,084, G>A on the plus strand (C>T on the coding strand, the complement: FILIP1L is on the minus strand). VCF-style: chr3-99849084-G-A. GRCh37 (hg19) VCF-style: chr3-99567928-G-A.
Other names: c.1872C>T, p.Pro624= (NM_001387851.1, NM_014890.4, NM_001282794.2 and 1 more transcripts); c.2592C>T, p.Pro864= (NM_182909.4, NM_001042459.3); c.64+31041G>A (NM_032359.4); c.606-18479C>T (NM_001387852.1); c.1320C>T, p.Pro440= (NM_001282793.2).
Identifiers: ClinVar variation 4872892 (VCV004872892.2).

ClinVar aggregate classification (germline): Likely benign (1 of 4 stars; one submission).

Submission:

CeGaT Center for Human Genetics Tuebingen
Classification: Likely benign. Last evaluated: 2026-06-01. Review status: criteria provided, single submitter. Criteria: CeGaT Center For Human Genetics Tuebingen Variant Classification Criteria Version 2. Collection method: clinical testing. Allele origin: germline. Affected: yes. Observed: 1 variant allele.
Comment: FILIP1L: PM2:Supporting, BP4, BP7